The following is an entry in ClinVar:

ClinVar aggregate classification (germline): Uncertain significance. Review status: criteria provided, multiple submitters, no conflicts (2 of 4 stars). 2 submissions from 2 submitters: Uncertain significance (2). Last evaluated 2024-05-24.

Allele frequency attached by ClinVar (database versions not stated): gnomAD exomes 0.00001.
gnomAD v4.1: 5 of 1,614,130 alleles (0.00031%); highest among the groups gnomAD compares: Non-Finnish European, 0.00042%; no homozygotes.

Submissions (2):

Women's Health and Genetics/Laboratory Corporation of America, LabCorp
Classification: Uncertain significance. Last evaluated: 2024-05-24. Review status: criteria provided, single submitter. Criteria: LabCorp Variant Classification Summary - May 2015. Collection method: clinical testing. Allele origin: germline.
Comment: Variant summary: C2CD3 c.101A>C (p.Glu34Ala) results in a non-conservative amino acid change in the encoded protein sequence. Four of five in-silico tools predict a damaging effect of the variant on protein function. The variant was absent in 251384 control chromosomes. The available data on variant occurrences in the general population are insufficient to allow any conclusion about variant significance. To our knowledge, no occurrence of c.101A>C in individuals affected with Orofaciodigital Syndrome Type 14 and no experimental evidence demonstrating its impact on protein function have been reported. ClinVar contains an entry for this variant (Variation ID: 2907571). Based on the evidence outlined above, the variant was classified as uncertain significance.

Labcorp Genetics (formerly Invitae), Labcorp
Classification: Uncertain significance. Last evaluated: 2023-11-06. Review status: criteria provided, single submitter. Criteria: Invitae Variant Classification Sherloc (09022015). Collection method: clinical testing. Allele origin: germline.
Comment: This sequence change replaces glutamic acid, which is acidic and polar, with alanine, which is neutral and non-polar, at codon 34 of the C2CD3 protein (p.Glu34Ala). This variant is not present in population databases (gnomAD no frequency). This variant has not been reported in the literature in individuals affected with C2CD3-related conditions. Advanced modeling of protein sequence and biophysical properties (such as structural, functional, and spatial information, amino acid conservation, physicochemical variation, residue mobility, and thermodynamic stability) performed at Invitae indicates that this missense variant is expected to disrupt C2CD3 protein function with a positive predictive value of 80%. In summary, the available evidence is currently insufficient to determine the role of this variant in disease. Therefore, it has been classified as a Variant of Uncertain Significance.

NM_001286577.2(C2CD3):c.101A>C (p.Glu34Ala)

Gene: C2CD3 (C2 domain containing 3 centriole elongation regulator; minus strand). Cytogenetic location: 11q13.4.
Variant type: single nucleotide variant.
Coding change: c.101A>C on transcript NM_001286577.2 (MANE Select); coding-DNA position 101, A replaced by C.
Protein change: p.Glu34Ala; replaces glutamic acid 34 with alanine.
Molecular consequence: missense variant.
Genome position (GRCh38, 1-based): chr11:74,168,568, T>G on the plus strand (A>C on the coding strand, the complement: C2CD3 is on the minus strand). VCF-style: chr11-74168568-T-G. GRCh37 (hg19) VCF-style: chr11-73879613-T-G.
Other names: c.101A>C, p.Glu34Ala (NM_015531.6); short protein forms E34A.
Identifiers: ClinVar variation 2907571 (VCV002907571.4), dbSNP rs2496711811, ClinGen allele CA381826214.
Genomic context (GRCh38, chr11:74,168,568, plus strand): 5'-TTTGCAATCTTCCATATGACTCTATTAACAGTAAGTTTTAGAAAACAGCGTAGCTGGCCT[T>G]CAACCAGAGGTGGCAGGCTTGTAGATGGAGAAATGTCACTTAAACCTGTAGAGGAATCCA-3'
Protein context (NP_001273506.1, residues 24-44): SPSTSLPPLV[Glu34Ala]GQLRCFLKLT